The following is an entry in ClinVar:

ClinVar aggregate classification (germline): Uncertain significance (1 of 4 stars; one submission).

Conditions:
Ellis-van Creveld syndrome (EVC). Also called: Chondroectodermal dysplasia; EVC-Related Ellis-van Creveld Syndrome; EVC2-Related Ellis-van Creveld Syndrome; MESOECTODERMAL DYSPLASIA. Identifiers: Orphanet 289, MedGen C0013903, MONDO:0009162, OMIM 225500.
Curry-Hall syndrome (WAD). Also called: WEYERS ACRODENTAL DYSOSTOSIS. Identifiers: Orphanet 952, MedGen C0457013, MONDO:0008673, OMIM 193530.

Allele frequency attached by ClinVar (database versions not stated): gnomAD exomes below 0.00001 and 0.00001; gnomAD 0.00001; TOPMed 0.00001.
gnomAD v4.1: 10 of 1,614,082 alleles (0.00062%); highest among the groups gnomAD compares: Non-Finnish European, 0.00085%; no homozygotes.

Submission:

Labcorp Genetics (formerly Invitae), Labcorp
Classification: Uncertain significance for Curry-Hall syndrome; Ellis-van Creveld syndrome. Last evaluated: 2025-10-03. Review status: criteria provided, single submitter. Criteria: Invitae Variant Classification Sherloc (09022015). Collection method: clinical testing. Allele origin: germline.
Comment: This sequence change replaces threonine, which is neutral and polar, with isoleucine, which is neutral and non-polar, at codon 501 of the EVC2 protein (p.Thr501Ile). This variant is present in population databases (no rsID available, gnomAD 0.0009%). This variant has not been reported in the literature in individuals affected with EVC2-related conditions. ClinVar contains an entry for this variant (Variation ID: 1381786). An algorithm developed to predict the effect of missense changes on protein structure and function (PolyPhen-2) suggests that this variant is likely to be disruptive. In summary, the available evidence is currently insufficient to determine the role of this variant in disease. Therefore, it has been classified as a Variant of Uncertain Significance.

NM_147127.5(EVC2):c.1502C>T (p.Thr501Ile)

Gene: EVC2 (EvC ciliary complex subunit 2; minus strand). Cytogenetic location: 4p16.2.
Variant type: single nucleotide variant.
Coding change: c.1502C>T on transcript NM_147127.5 (MANE Select); coding-DNA position 1502, C replaced by T.
Protein change: p.Thr501Ile; replaces threonine 501 with isoleucine.
Molecular consequence: missense variant.
Genome position (GRCh38, 1-based): chr4:5,632,001, G>A on the plus strand (C>T on the coding strand, the complement: EVC2 is on the minus strand). VCF-style: chr4-5632001-G-A. GRCh37 (hg19) VCF-style: chr4-5633728-G-A.
Other names: c.1262C>T, p.Thr421Ile (NM_001166136.2); short protein forms T421I, T501I.
Identifiers: ClinVar variation 1381786 (VCV001381786.7), dbSNP rs1209098952, ClinGen allele CA356149578.